The following is an entry in ClinVar:

ClinVar aggregate classification (germline): Pathogenic (1 of 4 stars; one submission).

Conditions:
Spongy degeneration of central nervous system. Also called: ACY2 DEFICIENCY; AMINOACYLASE 2 DEFICIENCY; ASP DEFICIENCY; ASPA DEFICIENCY; ASPARTOACYLASE DEFICIENCY; CANAVAN-VAN BOGAERT-BERTRAND DISEASE. Identifiers: Orphanet 141, MedGen C0206307, MONDO:0010079, OMIM 271900.

Submission:

Labcorp Genetics (formerly Invitae), Labcorp
Classification: Pathogenic for Spongy degeneration of central nervous system. Last evaluated: 2022-01-24. Review status: criteria provided, single submitter. Criteria: Invitae Variant Classification Sherloc (09022015). Collection method: clinical testing. Allele origin: germline.
Comment: For these reasons, this variant has been classified as Pathogenic. This variant has not been reported in the literature in individuals affected with ASPA-related conditions. This variant is not present in population databases (gnomAD no frequency). This sequence change creates a premature translational stop signal (p.Asp110Valfs*2) in the ASPA gene. It is expected to result in an absent or disrupted protein product. Loss-of-function variants in ASPA are known to be pathogenic (PMID: 12638939).

Literature cited by the submitters: PubMed 12638939.

NM_000049.4(ASPA):c.325_328dup (p.Asp110delinsValTer)

Genes: ASPA (aspartoacylase; plus strand), SPATA22 (spermatogenesis associated 22; minus strand). Cytogenetic location: 17p13.2.
Variant type: Duplication.
Coding change: c.325_328dup on transcript NM_000049.4 (MANE Select); coding-DNA positions 325 to 328, 4 bases duplicated (TATG; older notation c.325_328dupTATG).
Protein change: p.Asp110delinsValTer.
Molecular consequence: nonsense. On other transcripts: intron variant (2).
Genome position (GRCh38, 1-based): chr17:3,481,691-3,481,694, TATG duplicated. VCF-style (leftmost placement, unchanged base first): chr17-3481690-C-CTATG. GRCh37 (hg19) VCF-style: chr17-3384984-C-CTATG.
Other names: c.325_328dup, p.Asp110delinsValTer (NM_001128085.1); c.-73-12296_-73-12293dup (NM_001321336.2, NM_001321337.2).
Identifiers: ClinVar variation 2089364 (VCV002089364.4), dbSNP rs2543619589, ClinGen allele CA2580092487.